The following is an entry in ClinVar:

NM_001458.5(FLNC):c.835A>C (p.Ile279Leu)

Gene: FLNC (filamin C; plus strand). Cytogenetic location: 7q32.1.
Variant type: single nucleotide variant.
Coding change: c.835A>C on transcript NM_001458.5 (MANE Select); coding-DNA position 835, A replaced by C.
Protein change: p.Ile279Leu; replaces isoleucine 279 with leucine.
Molecular consequence: missense variant.
Genome position (GRCh38, 1-based): chr7:128,837,533, A>C. VCF-style: chr7-128837533-A-C. GRCh37 (hg19) VCF-style: chr7-128477587-A-C.
Other names: p.Ile279Leu; c.835A>C, p.Ile279Leu (NM_001127487.2); short protein forms I279L.
Identifiers: ClinVar variation 3379790 (VCV003379790.1).

ClinVar aggregate classification (germline): Uncertain significance (1 of 4 stars; one submission).

Submission:

Mayo Clinic Laboratories, Mayo Clinic
Classification: Uncertain significance. Last evaluated: 2024-03-25. Review status: criteria provided, single submitter. Criteria: ACMG Guidelines, 2015. Collection method: clinical testing. Allele origin: germline. Observed: 1 variant allele.
Comment: BP4, PM2